The following is an entry in ClinVar:

ClinVar aggregate classification (germline): Pathogenic (1 of 4 stars; one submission).

Conditions:
Neurofibromatosis, type 1 (NF1). Also called: VON RECKLINGHAUSEN DISEASE; NEUROFIBROMATOSIS, TYPE I, SOMATIC; Peripheral type neurofibromatosis; Neurofibromatosis, type I. Identifiers: Orphanet 636, MedGen C0027831, MONDO:0018975, OMIM 162200. Disease mechanism: loss of function.

Submission:

Labcorp Genetics (formerly Invitae), Labcorp
Classification: Pathogenic for Neurofibromatosis, type 1. Last evaluated: 2024-09-30. Review status: criteria provided, single submitter. Criteria: Invitae Variant Classification Sherloc (09022015). Collection method: clinical testing. Allele origin: germline.
Comment: This sequence change creates a premature translational stop signal (p.Asp290Metfs*5) in the NF1 gene. It is expected to result in an absent or disrupted protein product. Loss-of-function variants in NF1 are known to be pathogenic (PMID: 10712197, 23913538). This variant is not present in population databases (gnomAD no frequency). This variant has not been reported in the literature in individuals affected with NF1-related conditions. For these reasons, this variant has been classified as Pathogenic.

Literature cited by the submitters: PubMed 10712197; PubMed 23913538.

NM_001042492.3(NF1):c.867del (p.Asp290fs)

Gene: NF1 (neurofibromin 1; plus strand). Cytogenetic location: 17q11.2.
Variant type: Deletion.
Coding change: c.867del on transcript NM_001042492.3 (MANE Select); coding-DNA position 867, one base deleted (T; older notation c.867delT).
Protein change: p.Asp290fs; shifts the reading frame from aspartic acid 290.
Molecular consequence: frameshift variant.
Genome position (GRCh38, 1-based): chr17:31,182,644, T deleted; the last of 2 consecutive T bases (chr17:31,182,643-31,182,644); deleting either gives the same sequence. VCF-style (leftmost placement, unchanged base first): chr17-31182642-GT-G. GRCh37 (hg19) VCF-style: chr17-29509660-GT-G.
Other names: c.867delT, p.Asp290Metfs (NM_000267.4); c.867del, p.Asp290fs (NM_001128147.3); short protein forms D290fs.
Identifiers: ClinVar variation 3722574 (VCV003722574.2).